The following is an entry in ClinVar:

NM_002635.4(SLC25A3):c.556A>G (p.Lys186Glu)

Gene: SLC25A3 (solute carrier family 25 member 3; plus strand). Cytogenetic location: 12q23.1.
Variant type: single nucleotide variant.
Coding change: c.556A>G on transcript NM_002635.4 (MANE Select); coding-DNA position 556, A replaced by G.
Protein change: p.Lys186Glu; replaces lysine 186 with glutamic acid.
Molecular consequence: missense variant.
Genome position (GRCh38, 1-based): chr12:98,598,618, A>G. VCF-style: chr12-98598618-A-G. GRCh37 (hg19) VCF-style: chr12-98992396-A-G.
Other names: c.559A>G, p.Lys187Glu (NM_005888.4); c.556A>G, p.Lys186Glu (NM_213611.3); short protein forms K186E, K187E.
Identifiers: ClinVar variation 2129322 (VCV002129322.4), dbSNP rs1309429225, ClinGen allele CA386166934.

ClinVar aggregate classification (germline): Uncertain significance (1 of 4 stars; one submission).

Allele frequency attached by ClinVar (database versions not stated): gnomAD exomes below 0.00001; TOPMed below 0.00001.
gnomAD v4.1: 2 of 1,614,148 alleles (0.00012%); highest among the groups gnomAD compares: Middle Eastern, 0.033%; no homozygotes.

Submission:

Labcorp Genetics (formerly Invitae), Labcorp
Classification: Uncertain significance. Last evaluated: 2022-04-22. Review status: criteria provided, single submitter. Criteria: Invitae Variant Classification Sherloc (09022015). Collection method: clinical testing. Allele origin: germline.
Comment: In summary, the available evidence is currently insufficient to determine the role of this variant in disease. Therefore, it has been classified as a Variant of Uncertain Significance. Algorithms developed to predict the effect of missense changes on protein structure and function are either unavailable or do not agree on the potential impact of this missense change (SIFT: "Deleterious"; PolyPhen-2: "Probably Damaging"; Align-GVGD: "Class C15"). This variant has not been reported in the literature in individuals affected with SLC25A3-related conditions. This variant is present in population databases (no rsID available, gnomAD 0.0009%). This sequence change replaces lysine, which is basic and polar, with glutamic acid, which is acidic and polar, at codon 187 of the SLC25A3 protein (p.Lys187Glu).